The following is an entry in ClinVar:

ClinVar aggregate classification (germline): Conflicting classifications of pathogenicity. Review status: criteria provided, conflicting classifications (1 of 4 stars). 2 submissions from 2 submitters: Uncertain significance (1); Likely benign (1). Last evaluated 2025-06-27.

Conditions:
Inborn genetic diseases. Identifiers: MedGen C0950123, MeSH D030342.

Allele frequency attached by ClinVar (database versions not stated): gnomAD 0.00001; TOPMed 0.00002; gnomAD exomes 0.00004; ExAC 0.00007.
gnomAD v4.1: 22 of 1,612,844 alleles (0.0014%); highest among the groups gnomAD compares: Admixed American, 0.033%; no homozygotes.

Submissions (2):

Labcorp Genetics (formerly Invitae), Labcorp
Classification: Uncertain significance. Last evaluated: 2025-06-27. Review status: criteria provided, single submitter. Criteria: Invitae Variant Classification Sherloc (09022015). Collection method: clinical testing. Allele origin: germline.
Comment: This sequence change replaces lysine, which is basic and polar, with arginine, which is basic and polar, at codon 725 of the AHDC1 protein (p.Lys725Arg). This variant is present in population databases (rs764238274, gnomAD 0.05%), and has an allele count higher than expected for a pathogenic variant. This variant has not been reported in the literature in individuals affected with AHDC1-related conditions. ClinVar contains an entry for this variant (Variation ID: 2189753). An algorithm developed to predict the effect of missense changes on protein structure and function (PolyPhen-2) suggests that this variant is likely to be disruptive. In summary, the available evidence is currently insufficient to determine the role of this variant in disease. Therefore, it has been classified as a Variant of Uncertain Significance.

Ambry Genetics
Classification: Likely benign for Inborn genetic diseases. Last evaluated: 2025-05-21. Review status: criteria provided, single submitter. Criteria: Ambry Variant Classification Scheme 2023. Collection method: clinical testing. Allele origin: germline.

NM_001371928.1(AHDC1):c.2174A>G (p.Lys725Arg)

Gene: AHDC1 (AT-hook DNA binding motif containing 1; minus strand). Cytogenetic location: 1p36.11.
Variant type: single nucleotide variant.
Coding change: c.2174A>G on transcript NM_001371928.1 (MANE Select); coding-DNA position 2174, A replaced by G.
Protein change: p.Lys725Arg; replaces lysine 725 with arginine.
Molecular consequence: missense variant.
Genome position (GRCh38, 1-based): chr1:27,549,942, T>C on the plus strand (A>G on the coding strand, the complement: AHDC1 is on the minus strand). VCF-style: chr1-27549942-T-C. GRCh37 (hg19) VCF-style: chr1-27876453-T-C.
Other names: c.2174A>G, p.Lys725Arg (NM_001029882.3); c.2174A>G (NM_001029882.2); short protein forms K725R.
Identifiers: ClinVar variation 2189753 (VCV002189753.5), dbSNP rs764238274, ClinGen allele CA715819.